The following is an entry in ClinVar:

ClinVar aggregate classification (germline): Benign/Likely benign. Review status: criteria provided, multiple submitters, no conflicts (2 of 4 stars). 3 submissions from 3 submitters: Benign (1); Likely benign (2). Last evaluated 2024-05-10.

Conditions:
Familial cancer of breast. Also called: BREAST CANCER, FAMILIAL; Hereditary breast cancer; hereditary breast carcinoma. Identifiers: Orphanet 227535, MedGen C0346153, MONDO:0016419, OMIM 114480. Disease mechanism: loss of function.
Hereditary cancer-predisposing syndrome. Also called: Neoplastic Syndromes, Hereditary; Hereditary Cancer Syndrome; Hereditary neoplastic syndrome; Tumor predisposition. Identifiers: Orphanet 140162, MedGen C0027672, MeSH D009386, MONDO:0015356.
Ataxia-telangiectasia syndrome (AT). Also called: Ataxia-telangiectasia, complementation group E; Cerebello-oculocutaneous telangiectasia; Immunodeficiency with ataxia telangiectasia; AT, COMPLEMENTATION GROUP C; Ataxia-telangiectasia, complementation group D; Ataxia telangiectasia (A-T). Identifiers: Orphanet 100, MedGen C0004135, MONDO:0008840, OMIM 208900.

Submissions (3):

Myriad Genetics, Inc.
Classification: Benign for Familial cancer of breast. Last evaluated: 2024-05-10. Review status: criteria provided, single submitter. Criteria: Myriad Autosomal Dominant, Autosomal Recessive and X-Linked Classification Criteria (2023). Collection method: clinical testing. Allele origin: unknown.
Comment: This variant is considered benign. This variant is a silent/synonymous amino acid change and it is not expected to impact splicing.

Ambry Genetics
Classification: Likely benign for Hereditary cancer-predisposing syndrome. Last evaluated: 2023-07-21. Review status: criteria provided, single submitter. Criteria: Ambry Variant Classification Scheme 2023. Collection method: clinical testing. Allele origin: germline.

Labcorp Genetics (formerly Invitae), Labcorp
Classification: Likely benign for Ataxia-telangiectasia syndrome. Last evaluated: 2019-11-09. Review status: criteria provided, single submitter. Criteria: Invitae Variant Classification Sherloc (09022015). Collection method: clinical testing. Allele origin: germline.

NM_000051.4(ATM):c.2763T>A (p.Ala921=)

Gene: ATM (ATM serine/threonine kinase; plus strand). Cytogenetic location: 11q22.3.
Variant type: single nucleotide variant.
Coding change: c.2763T>A on transcript NM_000051.4 (MANE Select); coding-DNA position 2763, T replaced by A.
Protein change: p.Ala921=; no amino-acid change (alanine 921 retained).
Molecular consequence: synonymous variant.
Genome position (GRCh38, 1-based): chr11:108,268,534, T>A. VCF-style: chr11-108268534-T-A. GRCh37 (hg19) VCF-style: chr11-108139261-T-A.
Other names: c.2763T>A (NM_000051.3); c.2763T>A, p.Ala921= (NM_001351834.2).
Identifiers: ClinVar variation 1115319 (VCV001115319.11), dbSNP rs1555083334, ClinGen allele CA476673939.